The following is an entry in ClinVar:

NM_001754.5(RUNX1):c.796C>T (p.Gln266Ter)

Gene: RUNX1 (RUNX family transcription factor 1; minus strand). Cytogenetic location: 21q22.12.
Variant type: single nucleotide variant.
Coding change: c.796C>T on transcript NM_001754.5 (MANE Select); coding-DNA position 796, C replaced by T.
Protein change: p.Gln266Ter; replaces glutamine 266 with a stop codon.
Molecular consequence: nonsense.
Genome position (GRCh38, 1-based): chr21:34,834,419, G>A on the plus strand (C>T on the coding strand, the complement: RUNX1 is on the minus strand). VCF-style: chr21-34834419-G-A. GRCh37 (hg19) VCF-style: chr21-36206716-G-A.
Other names: NM_001754.5(RUNX1):c.796C>T; p.Gln266Ter; c.715C>T, p.Gln239Ter (NM_001001890.3, NM_001122607.2); short protein forms Q239*, Q266*.
Identifiers: ClinVar variation 3370501 (VCV003370501.2).

ClinVar aggregate classification (germline): Pathogenic. Review status: reviewed by expert panel (3 of 4 stars). 2 submissions from 2 submitters: Pathogenic (1). 1 of the submissions does not count toward it. Last evaluated 2025-01-15.

Conditions:
Hereditary thrombocytopenia and hematological cancer predisposition syndrome associated with RUNX1. Also called: Familial Platelet Disorder with Propensity to Acute Myelogenous Leukemia; Familial thrombocytopenia with propensity to acute myelogenous leukemia; PLATELET DISORDER, ASPIRIN-LIKE; RUNX1 Familial Platelet Disorder with Associated Myeloid Malignancies. Identifiers: Orphanet 71290, MedGen C1832388, MeSH C563324, MONDO:0100083, OMIM 601399.
Hereditary thrombocytopenia and hematologic cancer predisposition syndrome. Identifiers: Orphanet 71290, MedGen CN281654, MONDO:0011071.

Submissions (2):

ClinGen Myeloid Malignancy Variant Curation Expert Panel
Classification: Pathogenic for Hereditary thrombocytopenia and hematologic cancer predisposition syndrome. Last evaluated: 2025-01-15. Review status: reviewed by expert panel. Criteria: ClinGen MyeloMalig ACMG Specifications v2. Collection method: curation. Allele origin: germline. Inheritance: Autosomal dominant inheritance.
Comment: The c.796C>T (p.Gln266Ter) variant in RUNX1 (NM_001754.5) is a nonsense variant predicted to cause a premature stop codon in biologically relevant exon 7/9 leading to nonsense mediated decay in a gene in which loss-of-function is an established disease mechanism (PVS1). This variant is absent from gnomAD v2, v3, and v4 (PM2_Supporting). The variant has been reported in many individuals with AML (PMID: 27881874; PMID: 29988082; PMID: 36819173; PMID: 37680325; PMID: 38418452; PMID: 39725148), MDS (PMID: 27210295), or CMML (PMID: 20421268), as well as in various solid tumors (PMID: 36969747; cBioPortal; COSMIC). In addition, other nonsense/frameshift variants have been reported as pathogenic/likely pathogenic in exon 8 (PMID: 35764482). In summary, this variant meets the criteria to be classified as pathogenic for autosomal dominant hereditary thrombocytopenia and hematologic cancer predisposition syndrome based on the ACMG/AMP criteria applied, as specified by the ClinGen Myeloid Malignancy VCEP: PVS1, PS4_Supporting, PM2_Supporting, and PM5_Supporting. (Version 2; date of approval)

Institute of Human Genetics, Clinical Exome/Genome Diagnostics Group, University Hospital Bonn
Classification: Pathogenic for Hereditary thrombocytopenia and hematological cancer predisposition syndrome associated with RUNX1. Last evaluated: 2024-09-03. Review status: criteria provided, single submitter. Criteria: ACMG Guidelines, 2015. Collection method: clinical testing. Allele origin: maternal. Affected: yes. Not counted in ClinVar's aggregate classification.